The following is an entry in ClinVar:

ClinVar aggregate classification (germline): Uncertain significance. Review status: criteria provided, multiple submitters, no conflicts (2 of 4 stars). 2 submissions from 2 submitters: Uncertain significance (2). Last evaluated 2024-05-02.

Conditions:
Inborn genetic diseases. Identifiers: MedGen C0950123, MeSH D030342.

Allele frequency attached by ClinVar (database versions not stated): ExAC 0.00001; gnomAD 0.00003; gnomAD exomes 0.00003; TOPMed 0.00004; ESP Exome Variant Server 0.00008.
gnomAD v4.1: 41 of 1,613,972 alleles (0.0025%); highest among the groups gnomAD compares: Non-Finnish European, 0.0033%; no homozygotes.

Submissions (2):

Ambry Genetics
Classification: Uncertain significance for Inborn genetic diseases. Last evaluated: 2024-05-02. Review status: criteria provided, single submitter. Criteria: Ambry Variant Classification Scheme 2023. Collection method: clinical testing. Allele origin: germline.

Labcorp Genetics (formerly Invitae), Labcorp
Classification: Uncertain significance. Last evaluated: 2023-10-23. Review status: criteria provided, single submitter. Criteria: Invitae Variant Classification Sherloc (09022015). Collection method: clinical testing. Allele origin: germline.
Comment: This sequence change replaces leucine, which is neutral and non-polar, with phenylalanine, which is neutral and non-polar, at codon 299 of the C8B protein (p.Leu299Phe). This variant is present in population databases (rs374138669, gnomAD 0.004%). This variant has not been reported in the literature in individuals affected with C8B-related conditions. ClinVar contains an entry for this variant (Variation ID: 2181549). An algorithm developed to predict the effect of missense changes on protein structure and function (PolyPhen-2) suggests that this variant is likely to be disruptive. In summary, the available evidence is currently insufficient to determine the role of this variant in disease. Therefore, it has been classified as a Variant of Uncertain Significance.

NM_000066.4(C8B):c.895C>T (p.Leu299Phe)

Gene: C8B (complement C8 beta chain; minus strand). Cytogenetic location: 1p32.2.
Variant type: single nucleotide variant.
Coding change: c.895C>T on transcript NM_000066.4 (MANE Select); coding-DNA position 895, C replaced by T.
Protein change: p.Leu299Phe; replaces leucine 299 with phenylalanine.
Molecular consequence: missense variant.
Genome position (GRCh38, 1-based): chr1:56,946,031, G>A on the plus strand (C>T on the coding strand, the complement: C8B is on the minus strand). VCF-style: chr1-56946031-G-A. GRCh37 (hg19) VCF-style: chr1-57411704-G-A.
Other names: c.739C>T, p.Leu247Phe (NM_001278543.2); c.709C>T, p.Leu237Phe (NM_001278544.2); short protein forms L299F, L237F, L247F.
Identifiers: ClinVar variation 2181549 (VCV002181549.3), dbSNP rs374138669, ClinGen allele CA875815.